The following is an entry in ClinVar:

NM_003924.4(PHOX2B):c.690G>A (p.Gly230=)

Gene: PHOX2B (paired like homeobox 2B; minus strand). Cytogenetic location: 4p13.
Variant type: single nucleotide variant.
Coding change: c.690G>A on transcript NM_003924.4 (MANE Select); coding-DNA position 690, G replaced by A.
Protein change: p.Gly230=; no amino-acid change (glycine 230 retained).
Molecular consequence: synonymous variant.
Genome position (GRCh38, 1-based): chr4:41,746,062, C>T on the plus strand (G>A on the coding strand, the complement: PHOX2B is on the minus strand). VCF-style: chr4-41746062-C-T. GRCh37 (hg19) VCF-style: chr4-41748079-C-T.
Identifiers: ClinVar variation 467738 (VCV000467738.20), dbSNP rs1553897816, ClinGen allele CA439142892.

ClinVar aggregate classification (germline): Likely benign. Review status: criteria provided, multiple submitters, no conflicts (2 of 4 stars). 3 submissions from 3 submitters: Likely benign (3). Last evaluated 2025-08-01.

Conditions:
Hereditary cancer-predisposing syndrome. Also called: Hereditary neoplastic syndrome; Tumor predisposition; Neoplastic Syndromes, Hereditary; Hereditary Cancer Syndrome. Identifiers: Orphanet 140162, MedGen C0027672, MeSH D009386, MONDO:0015356.
Haddad syndrome (OHD). Also called: Ondine-Hirschsprung disease. Identifiers: Orphanet 99803, MedGen C1859049, MONDO:0020493.

Submissions (3):

CeGaT Center for Human Genetics Tuebingen
Classification: Likely benign. Last evaluated: 2025-08-01. Review status: criteria provided, single submitter. Criteria: CeGaT Center For Human Genetics Tuebingen Variant Classification Criteria Version 2. Collection method: clinical testing. Allele origin: germline. Affected: yes. Observed: 1 variant allele.
Comment: PHOX2B: PM2:Supporting, BP4, BP7

Labcorp Genetics (formerly Invitae), Labcorp
Classification: Likely benign for Haddad syndrome. Last evaluated: 2023-10-05. Review status: criteria provided, single submitter. Criteria: Invitae Variant Classification Sherloc (09022015). Collection method: clinical testing. Allele origin: germline.

Ambry Genetics
Classification: Likely benign for Hereditary cancer-predisposing syndrome. Last evaluated: 2019-08-19. Review status: criteria provided, single submitter. Criteria: Ambry Variant Classification Scheme 2023. Collection method: clinical testing. Allele origin: germline.